The following is an entry in ClinVar:

ClinVar aggregate classification (germline): Uncertain significance. Review status: criteria provided, multiple submitters, no conflicts (2 of 4 stars). 2 submissions from 2 submitters: Uncertain significance (2). Last evaluated 2025-01-08.

Conditions:
Inborn genetic diseases. Identifiers: MedGen C0950123, MeSH D030342.

Allele frequency attached by ClinVar (database versions not stated): gnomAD exomes 0.00001; TOPMed 0.00001; ExAC 0.00002; gnomAD 0.00003 and 0.00004.
gnomAD v4.1: 13 of 1,614,076 alleles (0.00081%); highest among the groups gnomAD compares: African/African-American, 0.0093%; no homozygotes.

Submissions (2):

Ambry Genetics
Classification: Uncertain significance for Inborn genetic diseases. Last evaluated: 2025-01-08. Review status: criteria provided, single submitter. Criteria: Ambry Variant Classification Scheme 2023. Collection method: clinical testing. Allele origin: germline.

Labcorp Genetics (formerly Invitae), Labcorp
Classification: Uncertain significance. Last evaluated: 2023-11-27. Review status: criteria provided, single submitter. Criteria: Invitae Variant Classification Sherloc (09022015). Collection method: clinical testing. Allele origin: germline.
Comment: This sequence change replaces threonine, which is neutral and polar, with serine, which is neutral and polar, at codon 720 of the ERCC3 protein (p.Thr720Ser). This variant is present in population databases (rs780327353, gnomAD 0.01%). This variant has not been reported in the literature in individuals affected with ERCC3-related conditions. ClinVar contains an entry for this variant (Variation ID: 1405590). Advanced modeling of protein sequence and biophysical properties (such as structural, functional, and spatial information, amino acid conservation, physicochemical variation, residue mobility, and thermodynamic stability) performed at Invitae indicates that this missense variant is not expected to disrupt ERCC3 protein function with a negative predictive value of 80%. In summary, the available evidence is currently insufficient to determine the role of this variant in disease. Therefore, it has been classified as a Variant of Uncertain Significance.

NM_000122.2(ERCC3):c.2159C>G (p.Thr720Ser)

Gene: ERCC3 (ERCC excision repair 3, TFIIH core complex helicase subunit; minus strand). Cytogenetic location: 2q14.3.
Variant type: single nucleotide variant.
Coding change: c.2159C>G on transcript NM_000122.2 (MANE Select); coding-DNA position 2159, C replaced by G.
Protein change: p.Thr720Ser; replaces threonine 720 with serine.
Molecular consequence: missense variant.
Genome position (GRCh38, 1-based): chr2:127,259,354, G>C on the plus strand (C>G on the coding strand, the complement: ERCC3 is on the minus strand). VCF-style: chr2-127259354-G-C. GRCh37 (hg19) VCF-style: chr2-128016930-G-C.
Other names: c.1967C>G, p.Thr656Ser (NM_001303416.2, NM_001303418.2); c.2159C>G (NM_000122.1); short protein forms T720S, T656S.
Identifiers: ClinVar variation 1405590 (VCV001405590.7), dbSNP rs780327353, ClinGen allele CA1858066.